The following is an entry in ClinVar:

NM_000127.3(EXT1):c.541C>G (p.Leu181Val)

Gene: EXT1 (exostosin glycosyltransferase 1; minus strand). Cytogenetic location: 8q24.11.
Variant type: single nucleotide variant.
Coding change: c.541C>G on transcript NM_000127.3 (MANE Select); coding-DNA position 541, C replaced by G.
Protein change: p.Leu181Val; replaces leucine 181 with valine.
Molecular consequence: missense variant.
Genome position (GRCh38, 1-based): chr8:118,110,506, G>C on the plus strand (C>G on the coding strand, the complement: EXT1 is on the minus strand). VCF-style: chr8-118110506-G-C. GRCh37 (hg19) VCF-style: chr8-119122745-G-C.
Other names: short protein forms L181V.
Identifiers: ClinVar variation 2880157 (VCV002880157.3), dbSNP rs2488051638, ClinGen allele CA371915618.

ClinVar aggregate classification (germline): Uncertain significance (1 of 4 stars; one submission).

Conditions:
Multiple congenital exostosis (EXT). Also called: Hereditary multiple exostoses; Hereditary multiple exostosis; MULTIPLE CARTILAGINOUS EXOSTOSES; Multiple osteochondromas; Hereditary multiple osteochondromas; Multiple exostoses. Identifiers: Orphanet 321, MedGen C0015306, MONDO:0005508, HP:0002762.

Submission:

Labcorp Genetics (formerly Invitae), Labcorp
Classification: Uncertain significance for Multiple congenital exostosis. Last evaluated: 2023-09-15. Review status: criteria provided, single submitter. Criteria: Invitae Variant Classification Sherloc (09022015). Collection method: clinical testing. Allele origin: germline.
Comment: This variant is not present in population databases (gnomAD no frequency). In summary, the available evidence is currently insufficient to determine the role of this variant in disease. Therefore, it has been classified as a Variant of Uncertain Significance. Advanced modeling of protein sequence and biophysical properties (such as structural, functional, and spatial information, amino acid conservation, physicochemical variation, residue mobility, and thermodynamic stability) performed at Invitae indicates that this missense variant is not expected to disrupt EXT1 protein function. This variant has not been reported in the literature in individuals affected with EXT1-related conditions. This sequence change replaces leucine, which is neutral and non-polar, with valine, which is neutral and non-polar, at codon 181 of the EXT1 protein (p.Leu181Val).